The following is an entry in ClinVar:

NM_182972.3(IRF2BP2):c.517C>T (p.Arg173Cys)

Gene: IRF2BP2 (interferon regulatory factor 2 binding protein 2; minus strand). Cytogenetic location: 1q42.3.
Variant type: single nucleotide variant.
Coding change: c.517C>T on transcript NM_182972.3 (MANE Select); coding-DNA position 517, C replaced by T.
Protein change: p.Arg173Cys; replaces arginine 173 with cysteine.
Molecular consequence: missense variant.
Genome position (GRCh38, 1-based): chr1:234,608,978, G>A on the plus strand (C>T on the coding strand, the complement: IRF2BP2 is on the minus strand). VCF-style: chr1-234608978-G-A. GRCh37 (hg19) VCF-style: chr1-234744724-G-A.
Other names: c.517C>T, p.Arg173Cys (NM_001077397.1); c.517C>T (NM_182972.2); short protein forms R173C.
Identifiers: ClinVar variation 2066738 (VCV002066738.5), dbSNP rs140923722, ClinGen allele CA1461829.

ClinVar aggregate classification (germline): Uncertain significance. Review status: criteria provided, multiple submitters, no conflicts (2 of 4 stars). 2 submissions from 2 submitters: Uncertain significance (2). Last evaluated 2025-09-09.

Allele frequency attached by ClinVar (database versions not stated): ExAC 0.00004; gnomAD exomes 0.00005; TOPMed 0.00005; gnomAD 0.00009; 1000 Genomes Project 30x 0.00016.

Submissions (2):

Labcorp Genetics (formerly Invitae), Labcorp
Classification: Uncertain significance. Last evaluated: 2025-09-09. Review status: criteria provided, single submitter. Criteria: Invitae Variant Classification Sherloc (09022015). Collection method: clinical testing. Allele origin: germline.
Comment: This sequence change replaces arginine, which is basic and polar, with cysteine, which is neutral and slightly polar, at codon 173 of the IRF2BP2 protein (p.Arg173Cys). The frequency data for this variant in the population databases is considered unreliable, as metrics indicate poor data quality at this position in the gnomAD database. This variant has not been reported in the literature in individuals affected with IRF2BP2-related conditions. ClinVar contains an entry for this variant (Variation ID: 2066738). An algorithm developed to predict the effect of missense changes on protein structure and function (PolyPhen-2) suggests that this variant is likely to be disruptive. In summary, the available evidence is currently insufficient to determine the role of this variant in disease. Therefore, it has been classified as a Variant of Uncertain Significance.

Ambry Genetics
Classification: Uncertain significance. Last evaluated: 2025-03-28. Review status: criteria provided, single submitter. Criteria: Ambry Variant Classification Scheme 2023. Collection method: clinical testing. Allele origin: germline.